The following is an entry in ClinVar:

ClinVar aggregate classification (germline): Uncertain significance (1 of 4 stars; one submission).

Submission:

Pediatric Department, Xiangya Hospital, Central South University
Classification: Uncertain significance. Review status: criteria provided, single submitter. Criteria: ACMG Guidelines, 2015. Collection method: clinical testing. Allele origin: maternal. Affected: yes.
Comment: This variant was observed in the other gene CHRNB1 with variant (c.1394T>C)

NM_021830.5(TWNK):c.1421G>C (p.Trp474Ser)

Gene: TWNK (twinkle mtDNA helicase; plus strand). Cytogenetic location: 10q24.31.
Variant type: single nucleotide variant.
Coding change: c.1421G>C on transcript NM_021830.5 (MANE Select); coding-DNA position 1421, G replaced by C.
Protein change: p.Trp474Ser; replaces tryptophan 474 with serine.
Molecular consequence: missense variant. On other transcripts: non-coding transcript variant (5).
Genome position (GRCh38, 1-based): chr10:100,989,821, G>C. VCF-style: chr10-100989821-G-C. GRCh37 (hg19) VCF-style: chr10-102749578-G-C.
Other names: c.1421G>C, p.Trp474Ser (NM_001163812.2); c.59G>C, p.Trp20Ser (NM_001163813.2, NM_001163814.2, NM_001368275.1); short protein forms W20S, W474S.
Identifiers: ClinVar variation 1802980 (VCV001802980.1), dbSNP rs11542127, ClinGen allele CA212963554.
Genomic context (GRCh38, chr10:100,989,821, plus strand): 5'-TCATGCTGACACAGTTTGCCGAGGGGCGGCTGGAAGATCAACTGGACAAATATGATCACT[G>C]GGCTGACCGCTTTGAGGACCTGCCCCTCTATTTCATGACTTTCCATGGACAGCAAAGCAT-3'
Protein context (NP_068602.2, residues 464-484): LEDQLDKYDH[Trp474Ser]ADRFEDLPLY